The following is an entry in ClinVar:

ClinVar aggregate classification (germline): Uncertain significance (1 of 4 stars; one submission).

Conditions:
Intellectual disability, autosomal dominant 24 (VSVS). Also called: VULTO-VAN SILFHOUT-DE VRIES SYNDROME. Identifiers: MedGen C4014414, MONDO:0014357, OMIM 615828.

Submission:

Dasa
Classification: Uncertain significance for Intellectual disability, autosomal dominant 24. Last evaluated: 2026-01-16. Review status: criteria provided, single submitter. Criteria: DASA Assertion Criteria. Collection method: clinical testing. Allele origin: germline.
Comment: NM_021008.4(DEAF1):c.86C>G (p.Ala29Gly) is a missense variant that results in the substitution of alanine with glycine. This variant is rare in population databases. Computational prediction algorithms are consistent with a benign effect. The currently available literature and clinical evidence are not sufficient to establish a definitive association between this variant and the reported condition. Therefore, this variant is classified as a variant of uncertain significance.

NM_021008.4(DEAF1):c.86C>G (p.Ala29Gly)

Gene: DEAF1 (DEAF1 transcription factor; minus strand). Cytogenetic location: 11p15.5.
Variant type: single nucleotide variant.
Coding change: c.86C>G on transcript NM_021008.4 (MANE Select); coding-DNA position 86, C replaced by G.
Protein change: p.Ala29Gly; replaces alanine 29 with glycine.
Molecular consequence: missense variant. On other transcripts: 5 prime UTR variant (3), intron variant (1).
Genome position (GRCh38, 1-based): chr11:694,962, G>C on the plus strand (C>G on the coding strand, the complement: DEAF1 is on the minus strand). VCF-style: chr11-694962-G-C. GRCh37 (hg19) VCF-style: chr11-694962-G-C.
Other names: c.86C>G, p.Ala29Gly (NM_001293634.2, NM_001440883.1, NM_001440884.1); c.-511C>G (NM_001440885.1); c.-1911C>G (NM_001440886.1); c.-721C>G (NM_001440887.1); c.-437-3364C>G (NM_001367390.1); short protein forms A29G.
Identifiers: ClinVar variation 4880878 (VCV004880878.2).
Genomic context (GRCh38, chr11:694,962, plus strand): 5'-TCCGAGTCCTCGTCCCTGCTCAGCACCGGCTCCTCCGCCTCGCCTCCTGCCGCGGCCGCG[G>C]CCGCCGCCGCCACAGCGGCCGCGGCCGCCACCGCCGCCGCCTCAGCCAGGCCCAGCTGCT-3'
Protein context (NP_066288.2, residues 19-39): VAAAAAVAAA[Ala29Gly]AAAAGGEAEE